The following is an entry in ClinVar:

ClinVar aggregate classification (germline): Uncertain significance (1 of 4 stars; one submission).

Allele frequency attached by ClinVar (database versions not stated): ExAC 0.00001; gnomAD 0.00001; gnomAD exomes 0.00001; TOPMed 0.00001.
gnomAD v4.1: 13 of 1,610,686 alleles (0.00081%); highest among the groups gnomAD compares: Admixed American, 0.005%; no homozygotes.

Submission:

Labcorp Genetics (formerly Invitae), Labcorp
Classification: Uncertain significance. Last evaluated: 2025-04-18. Review status: criteria provided, single submitter. Criteria: Invitae Variant Classification Sherloc (09022015). Collection method: clinical testing. Allele origin: germline.
Comment: This sequence change replaces lysine, which is basic and polar, with asparagine, which is neutral and polar, at codon 400 of the MICAL1 protein (p.Lys400Asn). This variant is present in population databases (rs759411165, gnomAD 0.003%). This variant has not been reported in the literature in individuals affected with MICAL1-related conditions. ClinVar contains an entry for this variant (Variation ID: 2168545). An algorithm developed to predict the effect of missense changes on protein structure and function (PolyPhen-2) suggests that this variant is likely to be tolerated. In summary, the available evidence is currently insufficient to determine the role of this variant in disease. Therefore, it has been classified as a Variant of Uncertain Significance.

NM_022765.4(MICAL1):c.1143G>T (p.Lys381Asn)

Gene: MICAL1 (microtubule associated monooxygenase, calponin and LIM domain containing 1; minus strand). Cytogenetic location: 6q21.
Variant type: single nucleotide variant.
Coding change: c.1143G>T on transcript NM_022765.4 (MANE Select); coding-DNA position 1143, G replaced by T.
Protein change: p.Lys381Asn; replaces lysine 381 with asparagine.
Molecular consequence: missense variant. On other transcripts: intron variant (1).
Genome position (GRCh38, 1-based): chr6:109,450,348, C>A on the plus strand (G>T on the coding strand, the complement: MICAL1 is on the minus strand). VCF-style: chr6-109450348-C-A. GRCh37 (hg19) VCF-style: chr6-109771551-C-A.
Other names: c.1200G>T, p.Lys400Asn (NM_001286613.2); c.934-263G>T (NM_001159291.2); short protein forms K381N, K400N.
Identifiers: ClinVar variation 2168545 (VCV002168545.4), dbSNP rs759411165, ClinGen allele CA3953496.